The following is an entry in ClinVar:

NM_005901.6(SMAD2):c.730+5A>G

Gene: SMAD2 (SMAD family member 2; minus strand). Cytogenetic location: 18q21.1.
Variant type: single nucleotide variant.
Coding change: c.730+5A>G on transcript NM_005901.6 (MANE Select); 5 bases into the intron after coding-DNA position 730, A replaced by G.
Molecular consequence: intron variant.
Genome position (GRCh38, 1-based): chr18:47,865,054, T>C on the plus strand (A>G on the coding strand, the complement: SMAD2 is on the minus strand). VCF-style: chr18-47865054-T-C. GRCh37 (hg19) VCF-style: chr18-45391425-T-C.
Other names: c.640+5A>G (NM_001135937.3); c.730+5A>G (NM_001003652.4).
Identifiers: ClinVar variation 1369316 (VCV001369316.6), dbSNP rs1362516163, ClinGen allele CA503924647.

ClinVar aggregate classification (germline): Uncertain significance (1 of 4 stars; one submission).

Allele frequency attached by ClinVar (database versions not stated): gnomAD exomes below 0.00001; gnomAD 0.00001; TOPMed 0.00001.
gnomAD v4.1: 5 of 1,556,034 alleles (0.00032%); highest among the groups gnomAD compares: South Asian, 0.0011%; no homozygotes.

Submission:

Labcorp Genetics (formerly Invitae), Labcorp
Classification: Uncertain significance. Last evaluated: 2025-12-31. Review status: criteria provided, single submitter. Criteria: Invitae Variant Classification Sherloc (09022015). Collection method: clinical testing. Allele origin: germline.
Comment: This sequence change falls in intron 6 of the SMAD2 gene. It does not directly change the encoded amino acid sequence of the SMAD2 protein. It affects a nucleotide within the consensus splice site. This variant is present in population databases (no rsID available, gnomAD 0.002%). This variant has not been reported in the literature in individuals affected with SMAD2-related conditions. ClinVar contains an entry for this variant (Variation ID: 1369316). Variants that disrupt the consensus splice site are a relatively common cause of aberrant splicing (PMID: 17576681, 9536098). Algorithms developed to predict the effect of sequence changes on RNA splicing suggest that this variant is not likely to affect RNA splicing. In summary, the available evidence is currently insufficient to determine the role of this variant in disease. Therefore, it has been classified as a Variant of Uncertain Significance.

Literature cited by the submitters: PubMed 17576681; PubMed 9536098.